The following is an entry in ClinVar:

NM_004304.5(ALK):c.3119T>G (p.Val1040Gly)

Gene: ALK (ALK receptor tyrosine kinase; minus strand). Cytogenetic location: 2p23.2.
Variant type: single nucleotide variant.
Coding change: c.3119T>G on transcript NM_004304.5 (MANE Select); coding-DNA position 3119, T replaced by G.
Protein change: p.Val1040Gly; replaces valine 1040 with glycine.
Molecular consequence: missense variant.
Genome position (GRCh38, 1-based): chr2:29,225,514, A>C on the plus strand (T>G on the coding strand, the complement: ALK is on the minus strand). VCF-style: chr2-29225514-A-C. GRCh37 (hg19) VCF-style: chr2-29448380-A-C.
Other names: c.3119T>G (NM_004304.4); short protein forms V1040G.
Identifiers: ClinVar variation 2140619 (VCV002140619.5), dbSNP rs2465965876, ClinGen allele CA346466923.
Genomic context (GRCh38, chr2:29,225,514, plus strand): 5'-CACTCACCAATCATGATGCCGGAGAAAGCCAGGACCAGGGCGGCCACGAGGGCAGAGGTC[A>C]CCACAGAGAGGATCAGCGAGAGTGGCAGGTGTGGCTCCGGGGTGGGTGACACTGGAAGAC-3'
Protein context (NP_004295.2, residues 1030-1050): HLPLSLILSV[Val1040Gly]TSALVAALVL

ClinVar aggregate classification (germline): Uncertain significance. Review status: criteria provided, multiple submitters, no conflicts (2 of 4 stars). 2 submissions from 2 submitters: Uncertain significance (2). Last evaluated 2025-03-05.

Conditions:
Hereditary cancer-predisposing syndrome. Also called: Tumor predisposition; Hereditary Cancer Syndrome; Hereditary neoplastic syndrome; Neoplastic Syndromes, Hereditary. Identifiers: Orphanet 140162, MedGen C0027672, MeSH D009386, MONDO:0015356.
Neuroblastoma, susceptibility to, 3. Also called: ALK-Related Neuroblastic Tumor Susceptibility. Identifiers: Orphanet 635, MedGen C2751681, MONDO:0013083, OMIM 613014.

Submissions (2):

Ambry Genetics
Classification: Uncertain significance for Hereditary cancer-predisposing syndrome. Last evaluated: 2025-03-05. Review status: criteria provided, single submitter. Criteria: Ambry Variant Classification Scheme 2023. Collection method: clinical testing. Allele origin: germline.
Comment: The p.V1040G variant (also known as c.3119T>G), located in coding exon 19 of the ALK gene, results from a T to G substitution at nucleotide position 3119. The valine at codon 1040 is replaced by glycine, an amino acid with dissimilar properties. This amino acid position is conserved. In addition, the in silico prediction for this alteration is inconclusive. Based on the available evidence, the clinical significance of this variant remains unclear.

Labcorp Genetics (formerly Invitae), Labcorp
Classification: Uncertain significance for Neuroblastoma, susceptibility to, 3. Last evaluated: 2022-07-03. Review status: criteria provided, single submitter. Criteria: Invitae Variant Classification Sherloc (09022015). Collection method: clinical testing. Allele origin: germline.
Comment: In summary, the available evidence is currently insufficient to determine the role of this variant in disease. Therefore, it has been classified as a Variant of Uncertain Significance. Algorithms developed to predict the effect of missense changes on protein structure and function (SIFT, PolyPhen-2, Align-GVGD) all suggest that this variant is likely to be disruptive. This variant has not been reported in the literature in individuals affected with ALK-related conditions. This variant is not present in population databases (gnomAD no frequency). This sequence change replaces valine, which is neutral and non-polar, with glycine, which is neutral and non-polar, at codon 1040 of the ALK protein (p.Val1040Gly).